The following is an entry in ClinVar:

ClinVar aggregate classification (germline): Pathogenic/Likely pathogenic. Review status: criteria provided, multiple submitters, no conflicts (2 of 4 stars). 5 submissions from 5 submitters: Pathogenic (3); Likely pathogenic (2). Last evaluated 2025-10-09.

Conditions:
Wilson disease (WND). Also called: Wilson's disease. Identifiers: Orphanet 905, MedGen C0019202, MONDO:0010200, OMIM 277900. Disease mechanism: loss of function.

Submissions (5):

Color Diagnostics, LLC DBA Color Health
Classification: Pathogenic for Wilson disease. Last evaluated: 2025-10-09. Review status: criteria provided, single submitter. Criteria: ACMG Guidelines, 2015. Collection method: clinical testing. Allele origin: germline.
Comment: This variant causes an A to G nucleotide substitution at the -2 position of intron 13 of the ATP7B gene. Splice site prediction tools predict that this variant may have a significant impact on RNA splicing. This variant is likely to cause an in-frame skipping of exon 14. Although RNA studies have not been reported, this variant is expected to result in a disrupted protein product and impair ATP7B protein function. This variant has been observed in individuals affected with autosomal recessive Wilson disease (PMID: 23159873, 35626790), indicating that this variant contributes to disease. This variant has not been identified in the general population by the Genome Aggregation Database (gnomAD). Other variants that impact the same splice site have been shown to be disease-causing, e.g., c.3061-12T>A (ClinVar Variation ID: 557116). Loss of ATP7B function is a known mechanism of disease. Based on the available evidence, this variant is classified as Pathogenic.

Labcorp Genetics (formerly Invitae), Labcorp
Classification: Pathogenic for Wilson disease. Last evaluated: 2025-07-30. Review status: criteria provided, single submitter. Criteria: Invitae Variant Classification Sherloc (09022015). Collection method: clinical testing. Allele origin: germline.
Comment: This sequence change affects an acceptor splice site in intron 13 of the ATP7B gene. It is expected to disrupt RNA splicing. Variants that disrupt the donor or acceptor splice site typically lead to a loss of protein function (PMID: 16199547), and loss-of-function variants in ATP7B are known to be pathogenic (PMID: 10441329, 16283883). This variant is not present in population databases (gnomAD no frequency). Disruption of this splice site has been observed in individuals with Wilson disease (PMID: 23159873). ClinVar contains an entry for this variant (Variation ID: 843610). Algorithms developed to predict the effect of sequence changes on RNA splicing suggest that this variant may disrupt the consensus splice site. For these reasons, this variant has been classified as Pathogenic.

CeGaT Center for Human Genetics Tuebingen
Classification: Likely pathogenic. Last evaluated: 2024-07-01. Review status: criteria provided, single submitter. Criteria: CeGaT Center For Human Genetics Tuebingen Variant Classification Criteria Version 2. Collection method: clinical testing. Allele origin: germline. Affected: yes. Observed: 1 variant allele.
Comment: ATP7B: PM2, PM3, PVS1:Moderate, PP4

Fulgent Genetics
Classification: Likely pathogenic for Wilson disease. Last evaluated: 2024-05-17. Review status: criteria provided, single submitter. Criteria: ACMG Guidelines, 2015. Collection method: clinical testing. Allele origin: germline.

Baylor Genetics
Classification: Pathogenic for Wilson disease. Last evaluated: 2023-08-04. Review status: criteria provided, single submitter. Criteria: ACMG Guidelines, 2015. Collection method: clinical testing. Allele origin: unknown.

Literature cited by the submitters: PubMed 23159873 (cited by Color Diagnostics, LLC DBA Color Health and Labcorp Genetics (formerly Invitae), Labcorp); PubMed 35626790 (cited by Color Diagnostics, LLC DBA Color Health); PubMed 16199547 (cited by Labcorp Genetics (formerly Invitae), Labcorp); PubMed 10441329 (cited by Labcorp Genetics (formerly Invitae), Labcorp); PubMed 16283883 (cited by Labcorp Genetics (formerly Invitae), Labcorp).

NM_000053.4(ATP7B):c.3061-2A>G

Gene: ATP7B (ATPase copper transporting beta; minus strand). Cytogenetic location: 13q14.3.
Variant type: single nucleotide variant.
Coding change: c.3061-2A>G on transcript NM_000053.4 (MANE Select); the canonical splice acceptor site of the intron before coding-DNA position 3061, A replaced by G.
Molecular consequence: splice acceptor variant. On other transcripts: intron variant (2).
Genome position (GRCh38, 1-based): chr13:51,944,293, T>C on the plus strand (A>G on the coding strand, the complement: ATP7B is on the minus strand). VCF-style: chr13-51944293-T-C. GRCh37 (hg19) VCF-style: chr13-52518429-T-C.
Other names: c.2575-2A>G (NM_001406541.1, NM_001406542.1); c.2809-2A>G (NM_001406531.1, NM_001406532.1, NM_001330579.2); c.2827-2A>G (NM_001406527.1, NM_001406528.1, NM_001406538.1 and 1 more transcripts); c.2722-2A>G (NM_001406537.1); c.2917-2A>G (NM_001406521.1, NM_001406522.1, NM_001406520.1); c.3061-8A>G (NM_001406513.1); c.3061-2A>G (NM_001406511.1, NM_001406512.1, NM_001406526.1); c.2713-2A>G (NM_001406543.1); and 19 more.
Identifiers: ClinVar variation 843610 (VCV000843610.27), dbSNP rs1957520924, ClinGen allele CA388030847.